The following is an entry in ClinVar:

NM_000258.3(MYL3):c.560-1G>A

Gene: MYL3 (myosin light chain 3; minus strand). Cytogenetic location: 3p21.31.
Variant type: single nucleotide variant.
Coding change: c.560-1G>A on transcript NM_000258.3 (MANE Select); the canonical splice acceptor site of the intron before coding-DNA position 560, G replaced by A.
Molecular consequence: splice acceptor variant.
Genome position (GRCh38, 1-based): chr3:46,858,273, C>T on the plus strand (G>A on the coding strand, the complement: MYL3 is on the minus strand). VCF-style: chr3-46858273-C-T. GRCh37 (hg19) VCF-style: chr3-46899763-C-T.
Other names: c.560-1G>A (NM_001406939.1, NM_001406938.1, NM_001406937.1); c.386-1G>A (NM_001406940.1); c.371-1G>A (NM_001406941.1).
Identifiers: ClinVar variation 920752 (VCV000920752.3), dbSNP rs1701953138, ClinGen allele CA352495157.

ClinVar aggregate classification (germline): Uncertain significance (1 of 4 stars; one submission).

Conditions:
Cardiomyopathy (CMYO). Also called: Cardiomyopathies. Identifiers: Orphanet 167848, MedGen C0878544, MONDO:0004994, HP:0001638. Inheritance: Various modes of inheritance.

Submission:

Color Diagnostics, LLC DBA Color Health
Classification: Uncertain significance for Cardiomyopathy. Last evaluated: 2019-05-15. Review status: criteria provided, single submitter. Criteria: ACMG Guidelines, 2015. Collection method: clinical testing. Allele origin: germline.
Comment: This variant alters the canonical splice acceptor site in intron 5 of the MYL3 gene. Computational splicing tools suggest that this variant may disrupt RNA splicing. To our knowledge, functional studies have not been performed to investigate this prediction. This variant has not been reported in individuals affected with cardiovascular disorders in the literature. This variant has not been identified in the general population by the Genome Aggregation Database (gnomAD). Clinical significance of loss-of-function truncation and splice variants in the MYL3 gene is not yet clearly established. Available evidence is insufficient to determine the role of this variant in disease conclusively. Therefore, this variant is classified as a Variant of Uncertain Significance.